The following is an entry in ClinVar:

ClinVar aggregate classification (germline): Uncertain significance. Review status: criteria provided, single submitter (1 of 4 stars). 2 submissions from 2 submitters: Uncertain significance (1). 1 of the submissions does not count toward it. Last evaluated 2024-10-08.

Conditions:
PLXNA1-related disorder. Also called: PLXNA1-related condition.

gnomAD v4.1: 14 of 1,613,646 alleles (0.00087%); highest among the groups gnomAD compares: Non-Finnish European, 0.0012%; no homozygotes.

Submissions (2):

Labcorp Genetics (formerly Invitae), Labcorp
Classification: Uncertain significance. Last evaluated: 2024-10-08. Review status: criteria provided, single submitter. Criteria: Invitae Variant Classification Sherloc (09022015). Collection method: clinical testing. Allele origin: germline.
Comment: This sequence change replaces arginine, which is basic and polar, with tryptophan, which is neutral and slightly polar, at codon 205 of the PLXNA1 protein (p.Arg205Trp). This variant is not present in population databases (gnomAD no frequency). This variant has not been reported in the literature in individuals affected with PLXNA1-related conditions. Invitae Evidence Modeling of protein sequence and biophysical properties (such as structural, functional, and spatial information, amino acid conservation, physicochemical variation, residue mobility, and thermodynamic stability) indicates that this missense variant is not expected to disrupt PLXNA1 protein function with a negative predictive value of 80%. In summary, the available evidence is currently insufficient to determine the role of this variant in disease. Therefore, it has been classified as a Variant of Uncertain Significance.

PreventionGenetics, part of Exact Sciences
Classification: Uncertain significance for PLXNA1-related condition. Last evaluated: 2024-07-03. Review status: no assertion criteria provided. Collection method: clinical testing. Allele origin: germline. Not counted in ClinVar's aggregate classification.
Comment: The PLXNA1 c.613C>T variant is predicted to result in the amino acid substitution p.Arg205Trp. To our knowledge, this variant has not been reported in the literature or in a large population database, indicating this variant is rare. At this time, the clinical significance of this variant is uncertain due to the absence of conclusive functional and genetic evidence.

NM_032242.4(PLXNA1):c.613C>T (p.Arg205Trp)

Gene: PLXNA1 (plexin A1; plus strand). Cytogenetic location: 3q21.3.
Variant type: single nucleotide variant.
Coding change: c.613C>T on transcript NM_032242.4 (MANE Select); coding-DNA position 613, C replaced by T.
Protein change: p.Arg205Trp; replaces arginine 205 with tryptophan.
Molecular consequence: missense variant.
Genome position (GRCh38, 1-based): chr3:126,989,206, C>T. VCF-style: chr3-126989206-C-T. GRCh37 (hg19) VCF-style: chr3-126708049-C-T.
Other names: short protein forms R205W.
Identifiers: ClinVar variation 3351399 (VCV003351399.3).
Genomic context (GRCh38, chr3:126,989,206, plus strand): 5'-CTCTTCGTGGGCACACCCATCGATGGCAAGTCCGAGTACTTCCCCACACTGTCCAGCCGT[C>T]GGCTCATGGCCAACGAGGAGGATGCCGACATGTTCGGCTTCGTGTACCAGGATGAGTTTG-3'
Protein context (NP_115618.3, residues 195-215): SEYFPTLSSR[Arg205Trp]LMANEEDADM